The following is an entry in ClinVar:

ClinVar aggregate classification (germline): Likely benign. Review status: criteria provided, multiple submitters, no conflicts (2 of 4 stars). 3 submissions from 3 submitters: Likely benign (3). Last evaluated 2026-07-01.

Allele frequency attached by ClinVar (database versions not stated): gnomAD exomes 0.00079 and 0.00057; 1000 Genomes Project 30x 0.00016; 1000 Genomes Project 0.00020; ExAC 0.00043; ESP Exome Variant Server 0.00065; gnomAD 0.00069 and 0.00071; TOPMed 0.00069.
gnomAD v4.1: 1,255 of 1,612,486 alleles (0.078%); highest among the groups gnomAD compares: Admixed American, 0.12%; 1 homozygote.

Submissions (3):

CeGaT Center for Human Genetics Tuebingen
Classification: Likely benign. Last evaluated: 2026-07-01. Review status: criteria provided, single submitter. Criteria: CeGaT Center For Human Genetics Tuebingen Variant Classification Criteria Version 2. Collection method: clinical testing. Allele origin: germline. Affected: yes. Observed: 9 variant alleles.
Comment: DEPDC5: BP4, BP7

GeneDx
Classification: Likely benign. Last evaluated: 2020-05-29. Review status: criteria provided, single submitter. Criteria: GeneDx Variant Classification Process June 2021. Collection method: clinical testing. Allele origin: germline. Affected: yes.

Breakthrough Genomics
Classification: Likely benign. Review status: criteria provided, single submitter. Criteria: ACMG Guidelines, 2015. Collection method: not provided. Allele origin: germline. Inheritance: Autosomal dominant inheritance. Affected: yes.

NM_001242896.3(DEPDC5):c.2354+28C>T

Gene: DEPDC5 (DEP domain containing 5, GATOR1 subcomplex subunit; plus strand). Cytogenetic location: 22q12.3.
Variant type: single nucleotide variant.
Coding change: c.2354+28C>T on transcript NM_001242896.3 (MANE Select); 28 bases into the intron after coding-DNA position 2354, C replaced by T.
Molecular consequence: intron variant.
Genome position (GRCh38, 1-based): chr22:31,837,183, C>T. VCF-style: chr22-31837183-C-T. GRCh37 (hg19) VCF-style: chr22-32233169-C-T.
Other names: c.2354+28C>T (NM_001364318.2, NM_001363852.2, NM_001364320.2); c.2327+28C>T (NM_001136029.4, NM_014662.6, NM_001369903.1); c.2120+28C>T (NM_001363854.2, NM_001242897.2, NM_001364319.2); c.2270+28C>T (NM_001369902.1, NM_001369901.1).
Identifiers: ClinVar variation 1195368 (VCV001195368.24), dbSNP rs192889355, ClinGen allele CA10196686.